The following is an entry in ClinVar:

ClinVar aggregate classification (germline): Uncertain significance. Review status: criteria provided, multiple submitters, no conflicts (2 of 4 stars). 2 submissions from 2 submitters: Uncertain significance (2). Last evaluated 2025-06-01.

Conditions:
Primary dilated cardiomyopathy (DCM). Also called: Dilated Cardiomyopathy. Identifiers: Orphanet 217604, MedGen C0007193, MeSH D002311, MONDO:0005021, HP:0001644. Inheritance: Various modes of inheritance.

gnomAD v4.1: 13 of 1,613,854 alleles (0.00081%); highest among the groups gnomAD compares: African/African-American, 0.0013%; no homozygotes.

Submissions (2):

Labcorp Genetics (formerly Invitae), Labcorp
Classification: Uncertain significance for Primary dilated cardiomyopathy. Last evaluated: 2025-06-01. Review status: criteria provided, single submitter. Criteria: Invitae Variant Classification Sherloc (09022015). Collection method: clinical testing. Allele origin: germline.
Comment: This sequence change replaces threonine, which is neutral and polar, with isoleucine, which is neutral and non-polar, at codon 798 of the NEBL protein (p.Thr798Ile). This variant is present in population databases (no rsID available, gnomAD 0.0009%). This variant has not been reported in the literature in individuals affected with NEBL-related conditions. ClinVar contains an entry for this variant (Variation ID: 3404007). An algorithm developed to predict the effect of missense changes on protein structure and function (PolyPhen-2) suggests that this variant is likely to be disruptive. In summary, the available evidence is currently insufficient to determine the role of this variant in disease. Therefore, it has been classified as a Variant of Uncertain Significance.

Ambry Genetics
Classification: Uncertain significance. Last evaluated: 2024-09-30. Review status: criteria provided, single submitter. Criteria: Ambry Variant Classification Scheme 2023. Collection method: clinical testing. Allele origin: germline.
Comment: The p.T798I variant (also known as c.2393C>T), located in coding exon 24 of the NEBL gene, results from a C to T substitution at nucleotide position 2393. The threonine at codon 798 is replaced by isoleucine, an amino acid with similar properties. This amino acid position is conserved. In addition, the in silico prediction for this alteration is inconclusive. Based on the available evidence, the clinical significance of this variant remains unclear.

NM_006393.3(NEBL):c.2393C>T (p.Thr798Ile)

Gene: NEBL (nebulette; minus strand). Cytogenetic location: 10p12.31.
Variant type: single nucleotide variant.
Coding change: c.2393C>T on transcript NM_006393.3 (MANE Select); coding-DNA position 2393, C replaced by T.
Protein change: p.Thr798Ile; replaces threonine 798 with isoleucine.
Molecular consequence: missense variant.
Genome position (GRCh38, 1-based): chr10:20,812,894, G>A on the plus strand (C>T on the coding strand, the complement: NEBL is on the minus strand). VCF-style: chr10-20812894-G-A. GRCh37 (hg19) VCF-style: chr10-21101823-G-A.
Other names: c.404C>T, p.Thr135Ile (NM_001173484.2, NM_001377322.1, NM_213569.2); c.356C>T, p.Thr119Ile (NM_001377323.1); c.347C>T, p.Thr116Ile (NM_001377324.1); c.338C>T, p.Thr113Ile (NM_001377325.1); c.296C>T, p.Thr99Ile (NM_001377326.1, NM_001377327.1, NM_001377328.1); short protein forms T119I, T113I, T116I, T135I, T99I, T798I.
Identifiers: ClinVar variation 3404007 (VCV003404007.3).